The following is an entry in ClinVar:

ClinVar aggregate classification (germline): Uncertain significance. Review status: criteria provided, multiple submitters, no conflicts (2 of 4 stars). 3 submissions from 3 submitters: Uncertain significance (3). Last evaluated 2024-05-23.

Conditions:
Seizures-scoliosis-macrocephaly syndrome. Also called: SEIZURES, SCOLIOSIS, AND MACROCEPHALY/MICROCEPHALY SYNDROME; Seizures, scoliosis, and macrocephaly syndrome. Identifiers: Orphanet 466926, MedGen C4225248, MONDO:0014731, OMIM 616682.
Exostoses, multiple, type 2 (EXT2). Also called: Hereditary Multiple Osteochondromatosis, Type II; EXOSTOSES, MULTIPLE, TYPE II. Identifiers: Orphanet 321, MedGen C1851413, MONDO:0007586, OMIM 133701.

Allele frequency attached by ClinVar (database versions not stated): ExAC 0.00001; TOPMed 0.00001; gnomAD exomes 0.00002.
gnomAD v4.1: 35 of 1,613,870 alleles (0.0022%); highest among the groups gnomAD compares: Non-Finnish European, 0.0028%; no homozygotes.

Submissions (3):

Fulgent Genetics
Classification: Uncertain significance for Exostoses, multiple, type 2; Seizures-scoliosis-macrocephaly syndrome. Last evaluated: 2024-05-23. Review status: criteria provided, single submitter. Criteria: ACMG Guidelines, 2015. Collection method: clinical testing. Allele origin: germline.

Labcorp Genetics (formerly Invitae), Labcorp
Classification: Uncertain significance for Exostoses, multiple, type 2. Last evaluated: 2022-09-21. Review status: criteria provided, single submitter. Criteria: Invitae Variant Classification Sherloc (09022015). Collection method: clinical testing. Allele origin: germline.
Comment: In summary, the available evidence is currently insufficient to determine the role of this variant in disease. Therefore, it has been classified as a Variant of Uncertain Significance. Variants that disrupt the consensus splice site are a relatively common cause of aberrant splicing (PMID: 17576681, 9536098). Algorithms developed to predict the effect of sequence changes on RNA splicing suggest that this variant may disrupt the consensus splice site. This variant has not been reported in the literature in individuals affected with EXT2-related conditions. This variant is present in population databases (rs752606551, gnomAD 0.004%). This sequence change affects codon 645 of the EXT2 mRNA. It is a 'silent' change, meaning that it does not change the encoded amino acid sequence of the EXT2 protein. This variant also falls at the last nucleotide of exon 12, which is part of the consensus splice site for this exon.

Illumina Laboratory Services, Illumina
Classification: Uncertain significance for Exostoses, multiple, type 2. Last evaluated: 2017-04-28. Review status: criteria provided, single submitter. Criteria: ICSL Variant Classification Criteria 13 December 2019. Collection method: clinical testing. Allele origin: germline.

Literature cited by the submitters: PubMed 17576681 (cited by Labcorp Genetics (formerly Invitae), Labcorp); PubMed 9536098 (cited by Labcorp Genetics (formerly Invitae), Labcorp).

NM_207122.2(EXT2):c.1935G>A (p.Lys645=)

Gene: EXT2 (exostosin glycosyltransferase 2; plus strand). Cytogenetic location: 11p11.2.
Variant type: single nucleotide variant.
Coding change: c.1935G>A on transcript NM_207122.2 (MANE Select); coding-DNA position 1935, G replaced by A.
Protein change: p.Lys645=; no amino-acid change (lysine 645 retained).
Molecular consequence: synonymous variant.
Genome position (GRCh38, 1-based): chr11:44,234,243, G>A. VCF-style: chr11-44234243-G-A. GRCh37 (hg19) VCF-style: chr11-44255793-G-A.
Other names: c.2034G>A, p.Lys678= (NM_000401.3); c.1965G>A, p.Lys655= (NM_001178083.3); c.1935G>A, p.Lys645= (NM_001389628.1, NM_001389630.1).
Identifiers: ClinVar variation 877189 (VCV000877189.9), dbSNP rs752606551, ClinGen allele CA5955391.
Genomic context (GRCh38, chr11:44,234,243, plus strand): 5'-CTGTGAAGATATTGCCATGAACTTCCTGGTGGCCAACGTCACGGGAAAAGCAGTTATCAA[G>A]GTAGGAGGCTCTGCCACTCACTTGCTTTGTGATCTTGGGCAAATATCTATTATCTGAGCC-3'
Protein context (NP_997005.1, residues 635-655): VANVTGKAVI[Lys645=]VTPRKKFKCP